The following is an entry in ClinVar:

ClinVar aggregate classification (germline): Uncertain significance. Review status: criteria provided, multiple submitters, no conflicts (2 of 4 stars). 2 submissions from 2 submitters: Uncertain significance (2). Last evaluated 2022-08-06.

Conditions:
Inborn genetic diseases. Identifiers: MedGen C0950123, MeSH D030342.

Allele frequency attached by ClinVar (database versions not stated): gnomAD exomes 0.00001 and 0.00002; ExAC 0.00002; gnomAD 0.00003; TOPMed 0.00010.
gnomAD v4.1: 28 of 1,613,384 alleles (0.0017%); highest among the groups gnomAD compares: Admixed American, 0.015%; no homozygotes.

Submissions (2):

Labcorp Genetics (formerly Invitae), Labcorp
Classification: Uncertain significance. Last evaluated: 2022-08-06. Review status: criteria provided, single submitter. Criteria: Invitae Variant Classification Sherloc (09022015). Collection method: clinical testing. Allele origin: germline.
Comment: This sequence change replaces threonine, which is neutral and polar, with alanine, which is neutral and non-polar, at codon 93 of the UBA5 protein (p.Thr93Ala). This variant is present in population databases (rs767939963, gnomAD 0.003%). This variant has not been reported in the literature in individuals affected with UBA5-related conditions. ClinVar contains an entry for this variant (Variation ID: 1407487). Algorithms developed to predict the effect of missense changes on protein structure and function output the following: SIFT: "Not Available"; PolyPhen-2: "Benign"; Align-GVGD: "Not Available". The alanine amino acid residue is found in multiple mammalian species, which suggests that this missense change does not adversely affect protein function. In summary, the available evidence is currently insufficient to determine the role of this variant in disease. Therefore, it has been classified as a Variant of Uncertain Significance.

Ambry Genetics
Classification: Uncertain significance for Inborn genetic diseases. Last evaluated: 2021-08-13. Review status: criteria provided, single submitter. Criteria: Ambry Variant Classification Scheme 2023. Collection method: clinical testing. Allele origin: germline.

NM_024818.6(UBA5):c.277A>G (p.Thr93Ala)

Genes: NPHP3-ACAD11 (NPHP3-ACAD11 readthrough (NMD candidate); minus strand), UBA5 (ubiquitin like modifier activating enzyme 5; plus strand). Cytogenetic location: 3q22.1.
Variant type: single nucleotide variant.
Coding change: c.277A>G on transcript NM_024818.6 (MANE Select); coding-DNA position 277, A replaced by G.
Protein change: p.Thr93Ala; replaces threonine 93 with alanine.
Molecular consequence: missense variant. On other transcripts: intron variant (2).
Genome position (GRCh38, 1-based): chr3:132,666,053, A>G. VCF-style: chr3-132666053-A-G. GRCh37 (hg19) VCF-style: chr3-132384897-A-G.
Other names: c.109A>G, p.Thr37Ala (NM_001320210.2, NM_198329.4); c.-39-2765A>G (NM_001321239.1); c.28-2765A>G (NM_001321238.2); c.277A>G (NM_024818.3); short protein forms T93A, T37A.
Identifiers: ClinVar variation 1407487 (VCV001407487.4), dbSNP rs767939963, ClinGen allele CA2621315.
Genomic context (GRCh38, chr3:132,666,053, plus strand): 5'-ACCTTTGCCGTAGCAATAGTAGGTGTTGGTGGAGTAGGTAGTGTGACTGCTGAAATGCTG[A>G]CAAGATGTGGCATTGGTAAGGTAAAAACATTTCTCTTTGCCTGTCATATAGGGAACTACT-3'
Protein context (NP_079094.1, residues 83-103): GVGSVTAEML[Thr93Ala]RCGIGKLLLF